The following is an entry in ClinVar:

ClinVar aggregate classification (germline): Likely benign. Review status: criteria provided, multiple submitters, no conflicts (2 of 4 stars). 3 submissions from 3 submitters: Likely benign (3). Last evaluated 2025-12-26.

Conditions:
DNAH1-related disorder. Also called: DNAH1-related condition.
Spermatogenic failure 18. Identifiers: MedGen C4539783, MONDO:0054615, OMIM 617576.
Ciliary dyskinesia, primary, 37 (CILD37). Also called: CILIARY DYSKINESIA, PRIMARY, 37, WITH OR WITHOUT SITUS INVERSUS. Identifiers: MedGen C4539798, MONDO:0033204, OMIM 617577.

Allele frequency attached by ClinVar (database versions not stated): gnomAD exomes 0.00009 and 0.00016; ExAC 0.00014; ESP Exome Variant Server 0.00048; gnomAD 0.00054 and 0.00055; TOPMed 0.00065.
gnomAD v4.1: 216 of 1,613,608 alleles (0.013%); highest among the groups gnomAD compares: African/African-American, 0.16%; 1 homozygote.

Submissions (3):

Labcorp Genetics (formerly Invitae), Labcorp
Classification: Likely benign for Ciliary dyskinesia, primary, 37; Spermatogenic failure 18. Last evaluated: 2025-12-26. Review status: criteria provided, single submitter. Criteria: Invitae Variant Classification Sherloc (09022015). Collection method: clinical testing. Allele origin: germline.

Blueprint Genetics
Classification: Likely benign. Last evaluated: 2024-11-25. Review status: criteria provided, single submitter. Criteria: ACMG Guidelines, 2015. Collection method: clinical testing. Allele origin: germline.

PreventionGenetics, part of Exact Sciences
Classification: Likely benign for DNAH1-related condition. Last evaluated: 2024-11-13. Review status: criteria provided, single submitter. Criteria: ACMG Guidelines, 2015. Collection method: clinical testing. Allele origin: germline.
Comment: This variant is classified as likely benign based on ACMG/AMP sequence variant interpretation guidelines (Richards et al. 2015 PMID: 25741868, with internal and published modifications).

NM_015512.5(DNAH1):c.11886G>A (p.Thr3962=)

Gene: DNAH1 (dynein axonemal heavy chain 1; plus strand). Cytogenetic location: 3p21.1.
Variant type: single nucleotide variant.
Coding change: c.11886G>A on transcript NM_015512.5 (MANE Select); coding-DNA position 11886, G replaced by A.
Protein change: p.Thr3962=; no amino-acid change (threonine 3962 retained).
Molecular consequence: synonymous variant.
Genome position (GRCh38, 1-based): chr3:52,397,805, G>A. VCF-style: chr3-52397805-G-A. GRCh37 (hg19) VCF-style: chr3-52431821-G-A.
Identifiers: ClinVar variation 544652 (VCV000544652.13), dbSNP rs374930994, ClinGen allele CA2436323.